The following is an entry in ClinVar:

NM_182914.3(SYNE2):c.8862G>A (p.Ala2954=)

Gene: SYNE2 (spectrin repeat containing nuclear envelope protein 2; plus strand). Cytogenetic location: 14q23.2.
Variant type: single nucleotide variant.
Coding change: c.8862G>A on transcript NM_182914.3 (MANE Select); coding-DNA position 8862, G replaced by A.
Protein change: p.Ala2954=; no amino-acid change (alanine 2954 retained).
Molecular consequence: synonymous variant.
Genome position (GRCh38, 1-based): chr14:64,052,775, G>A. VCF-style: chr14-64052775-G-A. GRCh37 (hg19) VCF-style: chr14-64519493-G-A.
Other names: c.8862G>A, p.Ala2954= (NM_015180.6).
Identifiers: ClinVar variation 313539 (VCV000313539.12), dbSNP rs373930498, ClinGen allele CA7221173.
Genomic context (GRCh38, chr14:64,052,775, plus strand): 5'-ATGTAATGAAGTGGAACACAAGATAAAGTTTTGCAGACAATTCCATGAAAAAACATCAGC[G>A]CTTCAGGAGGAGGCTGACAGTATACAGCGCAATGAACTATTACTTAATCAAGAAGTAAAT-3'
Protein context (NP_878918.2, residues 2944-2964): FCRQFHEKTS[Ala2954=]LQEEADSIQR

ClinVar aggregate classification (germline): Likely benign. Review status: criteria provided, multiple submitters, no conflicts (2 of 4 stars). 2 submissions from 2 submitters: Likely benign (2). Last evaluated 2021-08-02.

Conditions:
Emery-Dreifuss muscular dystrophy 5, autosomal dominant (EDMD5). Also called: EMERY-DREIFUSS MUSCULAR DYSTROPHY 5. Identifiers: Orphanet 261, MedGen C2751805, MONDO:0013072, OMIM 612999.

Allele frequency attached by ClinVar (database versions not stated): TOPMed 0.00002; 1000 Genomes Project 30x 0.00016; 1000 Genomes Project 0.00020.
gnomAD v4.1: 11 of 1,612,310 alleles (0.00068%); highest among the groups gnomAD compares: East Asian, 0.0067%; no homozygotes.

Submissions (2):

Labcorp Genetics (formerly Invitae), Labcorp
Classification: Likely benign for Emery-Dreifuss muscular dystrophy 5, autosomal dominant. Last evaluated: 2021-08-02. Review status: criteria provided, single submitter. Criteria: Invitae Variant Classification Sherloc (09022015). Collection method: clinical testing. Allele origin: germline.

Illumina Laboratory Services, Illumina
Classification: Likely benign for Emery-Dreifuss muscular dystrophy 5, autosomal dominant. Last evaluated: 2018-01-12. Review status: criteria provided, single submitter. Criteria: ICSL Variant Classification Criteria 13 December 2019. Collection method: clinical testing. Allele origin: germline.
Comment: This variant was observed in the ICSL laboratory as part of a predisposition screen in an ostensibly healthy population. It had not been previously curated by ICSL or reported in the Human Gene Mutation Database (HGMD: prior to June 1st, 2018), and was therefore a candidate for classification through an automated scoring system. Utilizing variant allele frequency, disease prevalence and penetrance estimates, and inheritance mode, an automated score was calculated to assess if this variant is too frequent to cause the disease. Based on the score and internal cut-off values, a variant classified as likely benign is not then subjected to further curation. The score for this variant resulted in a classification of likely benign for this disease.